The following is an entry in ClinVar:

ClinVar aggregate classification (germline): Likely pathogenic (1 of 4 stars; one submission).

Conditions:
Developmental delay, impaired speech, and behavioral abnormalities. Identifiers: MedGen C5561957, MONDO:0859178, OMIM 619475.

Submission:

Pediatric Department, Peking University First Hospital
Classification: Likely pathogenic for Developmental delay, impaired speech, and behavioral abnormalities. Last evaluated: 2025-06-09. Review status: criteria provided, single submitter. Criteria: ACMG Guidelines, 2015. Collection method: research. Allele origin: de novo. Inheritance: Autosomal dominant inheritance. Affected: yes. Observed: 1 hemizygote.
Comment: The NM_003128.2:c.471C>G, is a missense variant in SPTBN1 which was predicted to be de novo with no family history, confirming by Next-Generation Sequencing and Sanger sequencing (PS2). The variant is absent in controls according to gnomAD, Exome, 1000 Genomes and ExAC (PM2). The variant was predicted to be damaging by multiple silico tools, including VariantTaster, SIFT, Polyphen-2 and M-Cap, and the CADD score was 27.1 (PP3). In summary, the variant was classified as likely pathogenic for Developmental delay, impaired speech, and behavioral abnormalities (DDISBA) based on the ACMG criteria applied: PS2, PM2, PP3.

NM_003128.3(SPTBN1):c.471C>G (p.Phe157Leu)

Gene: SPTBN1 (spectrin beta, non-erythrocytic 1; plus strand). Cytogenetic location: 2p16.2.
Variant type: single nucleotide variant.
Coding change: c.471C>G on transcript NM_003128.3 (MANE Select); coding-DNA position 471, C replaced by G.
Protein change: p.Phe157Leu; replaces phenylalanine 157 with leucine.
Molecular consequence: missense variant.
Genome position (GRCh38, 1-based): chr2:54,612,331, C>G. VCF-style: chr2-54612331-C-G. GRCh37 (hg19) VCF-style: chr2-54839468-C-G.
Other names: c.432C>G, p.Phe144Leu (NM_178313.3); short protein forms F144L, F157L.
Identifiers: ClinVar variation 3906255 (VCV003906255.1).